The following is an entry in ClinVar:

ClinVar aggregate classification (germline): Uncertain significance. Review status: criteria provided, multiple submitters, no conflicts (2 of 4 stars). 2 submissions from 2 submitters: Uncertain significance (2). Last evaluated 2024-09-09.

Allele frequency attached by ClinVar (database versions not stated): gnomAD 0.00001; gnomAD exomes 0.00001; ExAC 0.00002; TOPMed 0.00002.
gnomAD v4.1: 14 of 1,609,708 alleles (0.00087%); highest among the groups gnomAD compares: Middle Eastern, 0.034%; no homozygotes.

Submissions (2):

Blueprint Genetics
Classification: Uncertain significance. Last evaluated: 2024-09-09. Review status: criteria provided, single submitter. Criteria: ACMG Guidelines, 2015. Collection method: clinical testing. Allele origin: germline.

Labcorp Genetics (formerly Invitae), Labcorp
Classification: Uncertain significance. Last evaluated: 2022-07-22. Review status: criteria provided, single submitter. Criteria: Invitae Variant Classification Sherloc (09022015). Collection method: clinical testing. Allele origin: germline.
Comment: This sequence change replaces proline, which is neutral and non-polar, with threonine, which is neutral and polar, at codon 29 of the COL9A1 protein (p.Pro29Thr). This variant is present in population databases (rs770304055, gnomAD 0.006%). This variant has not been reported in the literature in individuals affected with COL9A1-related conditions. Advanced modeling of protein sequence and biophysical properties (such as structural, functional, and spatial information, amino acid conservation, physicochemical variation, residue mobility, and thermodynamic stability) performed at Invitae indicates that this missense variant is not expected to disrupt COL9A1 protein function. In summary, the available evidence is currently insufficient to determine the role of this variant in disease. Therefore, it has been classified as a Variant of Uncertain Significance.

NM_001851.6(COL9A1):c.85C>A (p.Pro29Thr)

Gene: COL9A1 (collagen type IX alpha 1 chain; minus strand). Cytogenetic location: 6q13.
Variant type: single nucleotide variant.
Coding change: c.85C>A on transcript NM_001851.6 (MANE Select); coding-DNA position 85, C replaced by A.
Protein change: p.Pro29Thr; replaces proline 29 with threonine.
Molecular consequence: missense variant.
Genome position (GRCh38, 1-based): chr6:70,302,004, G>T on the plus strand (C>A on the coding strand, the complement: COL9A1 is on the minus strand). VCF-style: chr6-70302004-G-T. GRCh37 (hg19) VCF-style: chr6-71011707-G-T.
Other names: c.85C>A, p.Pro29Thr (NM_001377291.1); short protein forms P29T.
Identifiers: ClinVar variation 2149719 (VCV002149719.2), dbSNP rs770304055, ClinGen allele CA3882942.